The following is an entry in ClinVar:

ClinVar aggregate classification (germline): Uncertain significance (1 of 4 stars; one submission).

Allele frequency attached by ClinVar (database versions not stated): gnomAD exomes 0.00002; ExAC 0.00003; TOPMed 0.00003; gnomAD 0.00004.
gnomAD v4.1: 36 of 1,613,962 alleles (0.0022%); highest among the groups gnomAD compares: Non-Finnish European, 0.0027%; no homozygotes.

Submission:

Labcorp Genetics (formerly Invitae), Labcorp
Classification: Uncertain significance. Last evaluated: 2022-07-21. Review status: criteria provided, single submitter. Criteria: Invitae Variant Classification Sherloc (09022015). Collection method: clinical testing. Allele origin: germline.
Comment: This sequence change creates a premature translational stop signal (p.Arg1095*) in the EFL1 gene. While this is not anticipated to result in nonsense mediated decay, it is expected to disrupt the last 26 amino acid(s) of the EFL1 protein. This variant is present in population databases (rs759318162, gnomAD 0.007%). This variant has not been reported in the literature in individuals affected with EFL1-related conditions. Experimental studies and prediction algorithms are not available or were not evaluated, and the functional significance of this variant is currently unknown. In summary, the available evidence is currently insufficient to determine the role of this variant in disease. Therefore, it has been classified as a Variant of Uncertain Significance.

NM_024580.6(EFL1):c.3283C>T (p.Arg1095Ter)

Gene: EFL1 (elongation factor like GTPase 1; minus strand). Cytogenetic location: 15q25.2.
Variant type: single nucleotide variant.
Coding change: c.3283C>T on transcript NM_024580.6 (MANE Select); coding-DNA position 3283, C replaced by T.
Protein change: p.Arg1095Ter; replaces arginine 1095 with a stop codon.
Molecular consequence: nonsense. On other transcripts: non-coding transcript variant (1).
Genome position (GRCh38, 1-based): chr15:82,130,453, G>A on the plus strand (C>T on the coding strand, the complement: EFL1 is on the minus strand). VCF-style: chr15-82130453-G-A. GRCh37 (hg19) VCF-style: chr15-82422794-G-A.
Other names: c.3130C>T, p.Arg1044Ter (NM_001040610.3); c.2494C>T, p.Arg832Ter (NM_001322844.2); c.3283C>T, p.Arg1095Ter (NM_001322845.2); short protein forms R1044*, R1095*, R832*.
Identifiers: ClinVar variation 2059919 (VCV002059919.1), dbSNP rs759318162, ClinGen allele CA7697594.
Genomic context (GRCh38, chr15:82,130,453, plus strand): 5'-TCCTCTGCTTTTCTGCATGCTCCACAATCTTTTCTTCCACATAAAGCCCCTTCCGCTTTC[G>A]TACTGCGTTCATGTACTTCCGGGCTTGGTTCTCAGAGTCAGCCTTCTCCCCAAAGTGCAA-3'